The following is an entry in ClinVar:

ClinVar aggregate classification (germline): Uncertain significance (1 of 4 stars; one submission).

Conditions:
3-Methylglutaconic aciduria type 2 (BTHS). Also called: CARDIOSKELETAL MYOPATHY WITH NEUTROPENIA AND ABNORMAL MITOCHONDRIA; Barth syndrome. Identifiers: Orphanet 111, MedGen C0574083, MONDO:0010543, OMIM 302060.

Submission:

Labcorp Genetics (formerly Invitae), Labcorp
Classification: Uncertain significance for 3-Methylglutaconic aciduria type 2. Last evaluated: 2018-07-17. Review status: criteria provided, single submitter. Criteria: Invitae Variant Classification Sherloc (09022015). Collection method: clinical testing. Allele origin: germline.
Comment: This sequence change falls in intron 3 of the TAZ gene. It does not directly change the encoded amino acid sequence of the TAZ protein, but it affects a nucleotide within the consensus splice site of the intron. This variant is not present in population databases (ExAC no frequency). This variant has not been reported in the literature in individuals with TAZ-related disease. Nucleotide substitutions within the consensus splice site are a relatively common cause of aberrant splicing (PMID: 17576681, 9536098). Algorithms developed to predict the effect of sequence changes on RNA splicing suggest that this variant may disrupt the consensus splice site, but this prediction has not been confirmed by published transcriptional studies. In summary, the available evidence is currently insufficient to determine the role of this variant in disease. Therefore, it has been classified as a Variant of Uncertain Significance.

NM_000116.5(TAFAZZIN):c.284+4A>T

Gene: TAFAZZIN (tafazzin, phospholipid-lysophospholipid transacylase; plus strand). Cytogenetic location: Xq28.
Variant type: single nucleotide variant.
Coding change: c.284+4A>T on transcript NM_000116.5 (MANE Select); 4 bases into the intron after coding-DNA position 284, A replaced by T.
Molecular consequence: intron variant. On other transcripts: non-coding transcript variant (1).
Genome position (GRCh38, 1-based): chrX:154,413,256, A>T. VCF-style: chrX-154413256-A-T. GRCh37 (hg19) VCF-style: chrX-153641593-A-T.
Other names: c.338+4A>T (NM_001303465.2); c.284+4A>T (NM_181312.4, NM_181311.4, NM_181313.4).
Identifiers: ClinVar variation 664892 (VCV000664892.1), dbSNP rs1603377638, ClinGen allele CA915952002.